The following is an entry in ClinVar:

ClinVar aggregate classification (germline): Benign (1 of 4 stars; one submission).

Conditions:
Familial cancer of breast. Also called: Hereditary breast cancer; hereditary breast carcinoma; BREAST CANCER, FAMILIAL. Identifiers: Orphanet 227535, MedGen C0346153, MONDO:0016419, OMIM 114480. Disease mechanism: loss of function.

Submission:

Myriad Genetics, Inc.
Classification: Benign for Familial cancer of breast. Last evaluated: 2025-01-15. Review status: criteria provided, single submitter. Criteria: Myriad Autosomal Dominant, Autosomal Recessive and X-Linked Classification Criteria (2023). Collection method: clinical testing. Allele origin: unknown.
Comment: This variant is considered benign. This variant is a silent/synonymous amino acid change and it is not expected to impact splicing.

NM_024675.4(PALB2):c.2109A>G (p.Leu703=)

Gene: PALB2 (partner and localizer of BRCA2; minus strand). Cytogenetic location: 16p12.2.
Variant type: single nucleotide variant.
Coding change: c.2109A>G on transcript NM_024675.4 (MANE Select); coding-DNA position 2109, A replaced by G.
Protein change: p.Leu703=; no amino-acid change (leucine 703 retained).
Molecular consequence: synonymous variant. On other transcripts: intron variant (1).
Genome position (GRCh38, 1-based): chr16:23,630,045, T>C on the plus strand (A>G on the coding strand, the complement: PALB2 is on the minus strand). VCF-style: chr16-23630045-T-C. GRCh37 (hg19) VCF-style: chr16-23641366-T-C.
Other names: c.2049A>G, p.Leu683= (NM_001407296.1); c.2109A>G, p.Leu703= (NM_001407297.1, NM_001407298.1, NM_001407299.1 and 3 more transcripts); c.1224A>G, p.Leu408= (NM_001407304.1, NM_001407305.1, NM_001407306.1 and 5 more transcripts); c.321A>G, p.Leu107= (NM_001407312.1, NM_001407313.1); c.49-770A>G (NM_001407314.1).
Identifiers: ClinVar variation 3904108 (VCV003904108.1).